The following is an entry in ClinVar:

ClinVar aggregate classification (germline): Uncertain significance. Review status: criteria provided, multiple submitters, no conflicts (2 of 4 stars). 2 submissions from 2 submitters: Uncertain significance (2). Last evaluated 2025-07-10.

Conditions:
GLUT1 deficiency syndrome 1, autosomal recessive. Identifiers: MedGen C3149117.

gnomAD v4.1: 1 of 1,612,482 alleles (0.000062%); highest among the groups gnomAD compares: Non-Finnish European, 0.000085%; no homozygotes.

Submissions (2):

Women's Health and Genetics/Laboratory Corporation of America, LabCorp
Classification: Uncertain significance. Last evaluated: 2025-07-10. Review status: criteria provided, single submitter. Criteria: LabCorp Variant Classification Summary - May 2015. Collection method: clinical testing. Allele origin: germline.
Comment: Variant summary: SLC2A1 c.509T>C (p.Ile170Thr) results in a non-conservative amino acid change in the encoded protein sequence. Algorithms developed to predict the effect of missense changes on protein structure and function are either unavailable or do not agree on the potential impact of this missense change. The variant was absent in 246058 control chromosomes. The available data on variant occurrences in the general population are insufficient to allow any conclusion about variant significance. To our knowledge, no occurrence of c.509T>C in individuals affected with GLUT1 Deficiency Syndrome 1 and no experimental evidence demonstrating its impact on protein function have been reported. ClinVar contains an entry for this variant (Variation ID: 3703701). Based on the evidence outlined above, the variant was classified as uncertain significance.

Labcorp Genetics (formerly Invitae), Labcorp
Classification: Uncertain significance for GLUT1 deficiency syndrome 1, autosomal recessive. Last evaluated: 2024-02-05. Review status: criteria provided, single submitter. Criteria: Invitae Variant Classification Sherloc (09022015). Collection method: clinical testing. Allele origin: germline.
Comment: This sequence change replaces isoleucine, which is neutral and non-polar, with threonine, which is neutral and polar, at codon 170 of the SLC2A1 protein (p.Ile170Thr). This variant is not present in population databases (gnomAD no frequency). This variant has not been reported in the literature in individuals affected with SLC2A1-related conditions. Advanced modeling of protein sequence and biophysical properties (such as structural, functional, and spatial information, amino acid conservation, physicochemical variation, residue mobility, and thermodynamic stability) has been performed at Invitae for this missense variant, however the output from this modeling did not meet the statistical confidence thresholds required to predict the impact of this variant on SLC2A1 protein function. In summary, the available evidence is currently insufficient to determine the role of this variant in disease. Therefore, it has been classified as a Variant of Uncertain Significance.

NM_006516.4(SLC2A1):c.509T>C (p.Ile170Thr)

Gene: SLC2A1 (solute carrier family 2 member 1; minus strand). Cytogenetic location: 1p34.2.
Variant type: single nucleotide variant.
Coding change: c.509T>C on transcript NM_006516.4 (MANE Select); coding-DNA position 509, T replaced by C.
Protein change: p.Ile170Thr; replaces isoleucine 170 with threonine.
Molecular consequence: missense variant.
Genome position (GRCh38, 1-based): chr1:42,930,633, A>G on the plus strand (T>C on the coding strand, the complement: SLC2A1 is on the minus strand). VCF-style: chr1-42930633-A-G. GRCh37 (hg19) VCF-style: chr1-43396304-A-G.
Other names: short protein forms I170T.
Identifiers: ClinVar variation 3703701 (VCV003703701.3).